The following is an entry in ClinVar:

ClinVar aggregate classification (germline): Uncertain significance (1 of 4 stars; one submission).

Conditions:
Seizures, benign familial infantile, 3 (BFIS3). Also called: CONVULSIONS, BENIGN FAMILIAL INFANTILE, 3; Familial neonatal seizures. Identifiers: Orphanet 140927, Orphanet 306, MedGen C1843140, MONDO:0011904, OMIM 607745.
Developmental and epileptic encephalopathy, 11 (DEE11). Also called: Early infantile epileptic encephalopathy 11. Identifiers: Orphanet 1934, MedGen C3150987, MONDO:0013388, OMIM 613721.

Allele frequency attached by ClinVar (database versions not stated): gnomAD exomes below 0.00001.
gnomAD v4.1: 1 of 1,614,034 alleles (0.000062%); highest among the groups gnomAD compares: African/African-American, 0.0013%; no homozygotes.

Submission:

Labcorp Genetics (formerly Invitae), Labcorp
Classification: Uncertain significance for Seizures, benign familial infantile, 3; Developmental and epileptic encephalopathy, 11. Last evaluated: 2023-03-13. Review status: criteria provided, single submitter. Criteria: Invitae Variant Classification Sherloc (09022015). Collection method: clinical testing. Allele origin: germline.
Comment: In summary, the available evidence is currently insufficient to determine the role of this variant in disease. Therefore, it has been classified as a Variant of Uncertain Significance. Advanced modeling of protein sequence and biophysical properties (such as structural, functional, and spatial information, amino acid conservation, physicochemical variation, residue mobility, and thermodynamic stability) performed at Invitae indicates that this missense variant is not expected to disrupt SCN2A protein function. This variant has not been reported in the literature in individuals affected with SCN2A-related conditions. This variant is not present in population databases (gnomAD no frequency). This sequence change replaces valine, which is neutral and non-polar, with alanine, which is neutral and non-polar, at codon 1159 of the SCN2A protein (p.Val1159Ala).

NM_001040142.2(SCN2A):c.3476T>C (p.Val1159Ala)

Gene: SCN2A (sodium voltage-gated channel alpha subunit 2; plus strand). Cytogenetic location: 2q24.3.
Variant type: single nucleotide variant.
Coding change: c.3476T>C on transcript NM_001040142.2 (MANE Select); coding-DNA position 3476, T replaced by C.
Protein change: p.Val1159Ala; replaces valine 1159 with alanine.
Molecular consequence: missense variant.
Genome position (GRCh38, 1-based): chr2:165,365,219, T>C. VCF-style: chr2-165365219-T-C. GRCh37 (hg19) VCF-style: chr2-166221729-T-C.
Other names: c.3476T>C, p.Val1159Ala (NM_001040143.2, NM_001371246.1, NM_001371247.1 and 1 more transcripts); short protein forms V1159A.
Identifiers: ClinVar variation 2945272 (VCV002945272.3), dbSNP rs2468061505, ClinGen allele CA349024803.
Genomic context (GRCh38, chr2:165,365,219, plus strand): 5'-GTTCATCTGAAGGCAGCACGGTTGATATTGGAGCTCCCGCCGAGGGAGAACAGCCTGAGG[T>C]TGAACCTGAGGAATCCCTTGAACCTGAAGCCTGTTTTACAGAAGGTAAGCAAAACAATAA-3'
Protein context (NP_001035232.1, residues 1149-1169): GAPAEGEQPE[Val1159Ala]EPEESLEPEA